The following is an entry in ClinVar:

NM_015168.2(ZC3H4):c.1341G>A (p.Pro447=)

Gene: ZC3H4 (zinc finger CCCH-type containing 4; minus strand). Cytogenetic location: 19q13.32.
Variant type: single nucleotide variant.
Coding change: c.1341G>A on transcript NM_015168.2 (MANE Select); coding-DNA position 1341, G replaced by A.
Protein change: p.Pro447=; no amino-acid change (proline 447 retained).
Molecular consequence: synonymous variant.
Genome position (GRCh38, 1-based): chr19:47,081,612, C>T on the plus strand (G>A on the coding strand, the complement: ZC3H4 is on the minus strand). VCF-style: chr19-47081612-C-T. GRCh37 (hg19) VCF-style: chr19-47584869-C-T.
Other names: NC_000019.9:g.47584869C>T.
Identifiers: ClinVar variation 770290 (VCV000770290.8), dbSNP rs73943616, ClinGen allele CA9535244.
Genomic context (GRCh38, chr19:47,081,612, plus strand): 5'-GTGGGAAAACATGCAGTCGTCACCATTGATGCAGTTCCCAGTGGTGTGGTACAGCTTACA[C>T]GGGAAATCACGTTCATGGCAAATTAAGGTAAATGCTTCATCTCACAGAACGCCCCCCTCC-3'
Protein context (NP_055983.1, residues 437-457): ENCPYMHGDF[Pro447=]CKLYHTTGNC

ClinVar aggregate classification (germline): Benign. Review status: criteria provided, multiple submitters, no conflicts (2 of 4 stars). 3 submissions from 3 submitters: Benign (2). 1 of the submissions does not count toward it. Last evaluated 2019-12-31.

Conditions:
ZC3H4-related disorder. Also called: ZC3H4-related condition.

Allele frequency attached by ClinVar (database versions not stated): gnomAD exomes 0.00493 and 0.00900; ExAC 0.00957; ESP Exome Variant Server 0.02534; 1000 Genomes Project 0.02656; gnomAD 0.02689 and 0.02879; 1000 Genomes Project 30x 0.02889; TOPMed 0.03052.
gnomAD v4.1: 11,693 of 1,613,976 alleles (0.72%); highest among the groups gnomAD compares: African/African-American, 8.5%; 310 homozygotes.

Submissions (11):

Labcorp Genetics (formerly Invitae), Labcorp
Classification: Benign. Last evaluated: 2019-12-31. Review status: criteria provided, single submitter. Criteria: Invitae Variant Classification Sherloc (09022015). Collection method: clinical testing. Allele origin: germline.

Breakthrough Genomics
Classification: Benign. Review status: criteria provided, single submitter. Criteria: ACMG Guidelines, 2015. Collection method: not provided. Allele origin: germline. Inheritance: Unknown mechanism. Affected: yes.

PreventionGenetics, part of Exact Sciences
Classification: Benign for ZC3H4-related condition. Last evaluated: 2019-11-06. Review status: no assertion criteria provided. Collection method: clinical testing. Allele origin: germline. Not counted in ClinVar's aggregate classification.
Comment: This variant is classified as benign based on ACMG/AMP sequence variant interpretation guidelines (Richards et al. 2015 PMID: 25741868, with internal and published modifications).

Dr. Peter K. Rogan Lab, Western University
No classification provided (evidence only). Condition: Lung cancer. Review status: no classification provided. Collection method: in vitro. Allele origin: not applicable. Functional consequence: retained intron. Not counted in ClinVar's aggregate classification.

Dr. Peter K. Rogan Lab, Western University
No classification provided (evidence only). Condition: Uterine corpus endometrial carcinoma. Review status: no classification provided. Collection method: in vitro. Allele origin: not applicable. Functional consequence: retained intron. Not counted in ClinVar's aggregate classification.

Dr. Peter K. Rogan Lab, Western University
No classification provided (evidence only). Condition: Uterine corpus endometrial carcinoma. Review status: no classification provided. Collection method: in vitro. Allele origin: not applicable. Functional consequence: retained intron. Not counted in ClinVar's aggregate classification.

Dr. Peter K. Rogan Lab, Western University
No classification provided (evidence only). Condition: Cervical cancer. Review status: no classification provided. Collection method: in vitro. Allele origin: not applicable. Functional consequence: retained intron. Not counted in ClinVar's aggregate classification.

Dr. Peter K. Rogan Lab, Western University
No classification provided (evidence only). Condition: Sarcoma. Review status: no classification provided. Collection method: in vitro. Allele origin: not applicable. Functional consequence: retained intron. Not counted in ClinVar's aggregate classification.

Dr. Peter K. Rogan Lab, Western University
No classification provided (evidence only). Condition: Sarcoma. Review status: no classification provided. Collection method: in vitro. Allele origin: not applicable. Functional consequence: retained intron. Not counted in ClinVar's aggregate classification.

Dr. Peter K. Rogan Lab, Western University
No classification provided (evidence only). Condition: Ovarian serous cystadenocarcinoma. Review status: no classification provided. Collection method: in vitro. Allele origin: not applicable. Functional consequence: retained intron. Not counted in ClinVar's aggregate classification.

Dr. Peter K. Rogan Lab, Western University
No classification provided (evidence only). Condition: Malignant tumor of esophagus. Review status: no classification provided. Collection method: in vitro. Allele origin: not applicable. Functional consequence: retained intron. Not counted in ClinVar's aggregate classification.